The following is an entry in ClinVar:

ClinVar aggregate classification (germline): Uncertain significance (1 of 4 stars; one submission).

Conditions:
Bardet-Biedl syndrome (BBS). Identifiers: Orphanet 110, MedGen C0752166, MONDO:0015229.

Submission:

Labcorp Genetics (formerly Invitae), Labcorp
Classification: Uncertain significance for Bardet-Biedl syndrome. Last evaluated: 2024-11-04. Review status: criteria provided, single submitter. Criteria: Invitae Variant Classification Sherloc (09022015). Collection method: clinical testing. Allele origin: germline.
Comment: This variant occurs in a non-coding region of the BBS4 gene. It does not change the encoded amino acid sequence of the BBS4 protein. This variant is not present in population databases (gnomAD no frequency). This variant has not been reported in the literature in individuals affected with BBS4-related conditions. ClinVar contains an entry for this variant (Variation ID: 2100970). Experimental studies and prediction algorithms are not available or were not evaluated, and the functional significance of this variant is currently unknown. In summary, the available evidence is currently insufficient to determine the role of this variant in disease. Therefore, it has been classified as a Variant of Uncertain Significance.

NM_033028.5(BBS4):c.*1_*3delGAA

Gene: BBS4 (Bardet-Biedl syndrome 4; plus strand). Cytogenetic location: 15q24.1.
Variant type: Deletion.
Coding change: c.*1_*3delGAA on transcript NM_033028.5 (MANE Select); 1 bases downstream of the stop codon through 3 bases downstream of the stop codon, 3 bases deleted (GAA).
Molecular consequence: no sequence alteration. On other transcripts: non-coding transcript variant (2).
Genome position (GRCh38, 1-based): chr15:72,737,588-72,737,590, GAA deleted; deleting any 3 consecutive bases within chr15:72,737,586-72,737,590 gives the same sequence; the c. name uses the placement nearest the transcript's 3' end. VCF-style (leftmost placement, unchanged base first): chr15-72737585-TAAG-T. GRCh37 (hg19) VCF-style: chr15-73029926-TAAG-T.
Other names: c.*1_*3delGAA (NM_001252678.2, NM_001320665.2).
Identifiers: ClinVar variation 2100970 (VCV002100970.4), dbSNP rs2543020940, ClinGen allele CA2580090005.